The following is an entry in ClinVar:

ClinVar aggregate classification (germline): Pathogenic/Likely pathogenic. Review status: criteria provided, multiple submitters, no conflicts (2 of 4 stars). 3 submissions from 3 submitters: Pathogenic (2); Likely pathogenic (1). Last evaluated 2025-10-08.

Conditions:
Developmental delay with variable intellectual impairment and behavioral abnormalities. Identifiers: MedGen C5193092, MONDO:0032745, OMIM 618430.

Submissions (3):

Applied Translational Genetics Group, University of Auckland
Classification: Pathogenic for Developmental delay with variable intellectual impairment and behavioral abnormalities. Last evaluated: 2025-10-08. Review status: criteria provided, single submitter. Criteria: ACMG Guidelines, 2015. Collection method: research. Allele origin: unknown. Inheritance: Autosomal dominant inheritance. Affected: yes. Observed: 1 heterozygote.
Comment: NM_001378418.1:c.4737del is a single base pair indel in the gene TCF20 that results in a frameshift mutation at 1579 and an early termination downstream 36 positions. Heterozygous mutations in TCF20 are associated with the autosomal dominant condition Developmental delay with variable intellectual impairment and behavioral abnormalities (OMIM: 618430) (PSV1). The variant is absent in the gnomAD population database (as would be expected for a rare genetic condition such as Developmental delay with variable intellectual impairment and behavioral abnormalities) (PM2), while also having previously been reported in ClinVar in 2 cases as pathogenic and likely pathogenic (VCV002571818.3) (PS4). In summary, this variant meets criteria to be classified as pathogenic for Developmental delay with variable intellectual impairment and behavioral abnormalities based on the ACMG/AMP criteria applied: PS4, PVS1, PM2, PP4

Genomic Medicine Center of Excellence, King Faisal Specialist Hospital and Research Centre
Classification: Likely pathogenic for Developmental delay with variable intellectual impairment and behavioral abnormalities. Last evaluated: 2024-03-25. Review status: criteria provided, single submitter. Criteria: ACMG Guidelines, 2015. Collection method: research. Allele origin: germline.

GeneDx
Classification: Pathogenic. Last evaluated: 2023-07-10. Review status: criteria provided, single submitter. Criteria: GeneDx Variant Classification Process June 2021. Collection method: clinical testing. Allele origin: germline. Affected: yes.
Comment: Frameshift variant predicted to result in protein truncation or nonsense mediated decay in a gene for which loss-of-function is a known mechanism of disease; Not observed at significant frequency in large population cohorts (gnomAD); Has not been previously published as pathogenic or benign to our knowledge

Literature cited by the submitters: PubMed 40756852 (cited by Applied Translational Genetics Group, University of Auckland); PubMed 40011607 (cited by Applied Translational Genetics Group, University of Auckland).

NM_001378418.1(TCF20):c.4737del (p.Lys1579fs)

Gene: TCF20 (transcription factor 20; minus strand). Cytogenetic location: 22q13.2.
Variant type: Deletion.
Coding change: c.4737del on transcript NM_001378418.1 (MANE Select); coding-DNA position 4737, one base deleted (A; older notation c.4737delA).
Protein change: p.Lys1579fs; shifts the reading frame from lysine 1579.
Molecular consequence: frameshift variant.
Genome position (GRCh38, 1-based): chr22:42,210,569, T deleted on the plus strand (A on the coding strand, the reverse complement: TCF20 is on the minus strand); the first of 7 consecutive T bases (chr22:42,210,569-42,210,575); deleting any one gives the same sequence. VCF-style (leftmost placement, unchanged base first): chr22-42210568-GT-G. GRCh37 (hg19) VCF-style: chr22-42606574-GT-G.
Other names: c.4737del, p.Lys1579fs (NM_005650.4, NM_181492.3); short protein forms K1579fs.
Identifiers: ClinVar variation 2571818 (VCV002571818.4), dbSNP rs2518204649, ClinGen allele CA514801226.